The following is an entry in ClinVar:

ClinVar aggregate classification (germline): Uncertain significance (1 of 4 stars; one submission).

Allele frequency attached by ClinVar (database versions not stated): gnomAD 0.00001; gnomAD exomes 0.00001; TOPMed 0.00001; ExAC 0.00002.
gnomAD v4.1: 12 of 1,613,820 alleles (0.00074%); highest among the groups gnomAD compares: African/African-American, 0.0027%; no homozygotes.

Submission:

Labcorp Genetics (formerly Invitae), Labcorp
Classification: Uncertain significance. Last evaluated: 2023-01-22. Review status: criteria provided, single submitter. Criteria: Invitae Variant Classification Sherloc (09022015). Collection method: clinical testing. Allele origin: germline.
Comment: ClinVar contains an entry for this variant (Variation ID: 1396641). Advanced modeling of protein sequence and biophysical properties (such as structural, functional, and spatial information, amino acid conservation, physicochemical variation, residue mobility, and thermodynamic stability) performed at Invitae indicates that this missense variant is expected to disrupt CTNNB1 protein function. In summary, the available evidence is currently insufficient to determine the role of this variant in disease. Therefore, it has been classified as a Variant of Uncertain Significance. This sequence change replaces arginine, which is basic and polar, with cysteine, which is neutral and slightly polar, at codon 212 of the CTNNB1 protein (p.Arg212Cys). The frequency data for this variant in the population databases is considered unreliable, as metrics indicate poor data quality at this position in the gnomAD database. This variant has not been reported in the literature in individuals affected with CTNNB1-related conditions.

NM_001904.4(CTNNB1):c.634C>T (p.Arg212Cys)

Genes: CTNNB1 (catenin beta 1; plus strand), LOC126806658 (BRD4-independent group 4 enhancer GRCh37_chr3:41265899-41267098; plus strand). Cytogenetic location: 3p22.1.
Variant type: single nucleotide variant.
Coding change: c.634C>T on transcript NM_001904.4 (MANE Select); coding-DNA position 634, C replaced by T.
Protein change: p.Arg212Cys; replaces arginine 212 with cysteine.
Molecular consequence: missense variant.
Genome position (GRCh38, 1-based): chr3:41,225,472, C>T. VCF-style: chr3-41225472-C-T. GRCh37 (hg19) VCF-style: chr3-41266963-C-T.
Other names: c.634C>T, p.Arg212Cys (NM_001098209.2, NM_001098210.2); c.613C>T, p.Arg205Cys (NM_001330729.2); short protein forms R205C, R212C.
Identifiers: ClinVar variation 1396641 (VCV001396641.6), dbSNP rs770795614, ClinGen allele CA2330954.